The following is an entry in ClinVar:

NM_020638.3(FGF23):c.540C>A (p.Ser180Arg)

Gene: FGF23 (fibroblast growth factor 23; minus strand). Cytogenetic location: 12p13.32.
Variant type: single nucleotide variant.
Coding change: c.540C>A on transcript NM_020638.3 (MANE Select); coding-DNA position 540, C replaced by A.
Protein change: p.Ser180Arg; replaces serine 180 with arginine.
Molecular consequence: missense variant.
Genome position (GRCh38, 1-based): chr12:4,370,559, G>T on the plus strand (C>A on the coding strand, the complement: FGF23 is on the minus strand). VCF-style: chr12-4370559-G-T. GRCh37 (hg19) VCF-style: chr12-4479725-G-T.
Other names: short protein forms S180R.
Identifiers: ClinVar variation 1412052 (VCV001412052.8), dbSNP rs2120729846, ClinGen allele CA383416089.

ClinVar aggregate classification (germline): Uncertain significance (1 of 4 stars; one submission).

Submission:

Labcorp Genetics (formerly Invitae), Labcorp
Classification: Uncertain significance. Last evaluated: 2021-02-26. Review status: criteria provided, single submitter. Criteria: Invitae Variant Classification Sherloc (09022015). Collection method: clinical testing. Allele origin: germline.
Comment: In summary, the available evidence is currently insufficient to determine the role of this variant in disease. Therefore, it has been classified as a Variant of Uncertain Significance. Algorithms developed to predict the effect of missense changes on protein structure and function are either unavailable or do not agree on the potential impact of this missense change (SIFT: "Deleterious"; PolyPhen-2: "Probably Damaging"; Align-GVGD: "Class C0"). This variant has not been reported in the literature in individuals with FGF23-related conditions. This sequence change replaces serine with arginine at codon 180 of the FGF23 protein (p.Ser180Arg). The serine residue is moderately conserved and there is a moderate physicochemical difference between serine and arginine. This variant is not present in population databases (ExAC no frequency).